The following is an entry in ClinVar:

NM_000875.5(IGF1R):c.4070G>A (p.Arg1357Gln)

Gene: IGF1R (insulin like growth factor 1 receptor; plus strand). Cytogenetic location: 15q26.3.
Variant type: single nucleotide variant.
Coding change: c.4070G>A on transcript NM_000875.5 (MANE Select); coding-DNA position 4070, G replaced by A.
Protein change: p.Arg1357Gln; replaces arginine 1357 with glutamine.
Molecular consequence: missense variant.
Genome position (GRCh38, 1-based): chr15:98,957,408, G>A. VCF-style: chr15-98957408-G-A. GRCh37 (hg19) VCF-style: chr15-99500637-G-A.
Other names: c.4067G>A, p.Arg1356Gln (NM_001291858.2); short protein forms R1356Q, R1357Q.
Identifiers: ClinVar variation 2176269 (VCV002176269.4), dbSNP rs200539075, ClinGen allele CA7752887.
Genomic context (GRCh38, chr15:98,957,408, plus strand): 5'-GCGCCAGCTTCGACGAGAGACAGCCTTACGCCCACATGAACGGGGGCCGCAAGAACGAGC[G>A]GGCCTTGCCGCTGCCCCAGTCTTCGACCTGCTGATCCTTGGATCCTGAATCTGTGCAAAC-3'
Protein context (NP_000866.1, residues 1347-1367): AHMNGGRKNE[Arg1357Gln]ALPLPQSSTC

ClinVar aggregate classification (germline): Uncertain significance (1 of 4 stars; one submission).

Allele frequency attached by ClinVar (database versions not stated): ExAC 0.00006; TOPMed 0.00006; ESP Exome Variant Server 0.00015.

Submission:

Labcorp Genetics (formerly Invitae), Labcorp
Classification: Uncertain significance. Last evaluated: 2023-10-03. Review status: criteria provided, single submitter. Criteria: Invitae Variant Classification Sherloc (09022015). Collection method: clinical testing. Allele origin: germline.
Comment: This sequence change replaces arginine, which is basic and polar, with glutamine, which is neutral and polar, at codon 1357 of the IGF1R protein (p.Arg1357Gln). This variant is present in population databases (rs200539075, gnomAD 0.01%). This variant has not been reported in the literature in individuals affected with IGF1R-related conditions. ClinVar contains an entry for this variant (Variation ID: 2176269). An algorithm developed to predict the effect of missense changes on protein structure and function (PolyPhen-2) suggests that this variant is likely to be disruptive. In summary, the available evidence is currently insufficient to determine the role of this variant in disease. Therefore, it has been classified as a Variant of Uncertain Significance.